The following is an entry in ClinVar:

NM_024529.5(CDC73):c.598G>A (p.Asp200Asn)

Gene: CDC73 (cell division cycle 73; plus strand). Cytogenetic location: 1q31.2.
Variant type: single nucleotide variant.
Coding change: c.598G>A on transcript NM_024529.5 (MANE Select); coding-DNA position 598, G replaced by A.
Protein change: p.Asp200Asn; replaces aspartic acid 200 with asparagine.
Molecular consequence: missense variant.
Genome position (GRCh38, 1-based): chr1:193,141,935, G>A. VCF-style: chr1-193141935-G-A. GRCh37 (hg19) VCF-style: chr1-193111065-G-A.
Other names: short protein forms D200N.
Identifiers: ClinVar variation 4223469 (VCV004223469.1).

ClinVar aggregate classification (germline): Uncertain significance (1 of 4 stars; one submission).

Conditions:
Hereditary cancer-predisposing syndrome. Also called: Hereditary Cancer Syndrome; Hereditary neoplastic syndrome; Neoplastic Syndromes, Hereditary; Tumor predisposition. Identifiers: Orphanet 140162, MedGen C0027672, MeSH D009386, MONDO:0015356.

Submission:

Ambry Genetics
Classification: Uncertain significance for Hereditary cancer-predisposing syndrome. Last evaluated: 2025-06-21. Review status: criteria provided, single submitter. Criteria: Ambry Variant Classification Scheme 2023. Collection method: clinical testing. Allele origin: germline.
Comment: The p.D200N variant (also known as c.598G>A), located in coding exon 7 of the CDC73 gene, results from a G to A substitution at nucleotide position 598. The aspartic acid at codon 200 is replaced by asparagine, an amino acid with highly similar properties. This amino acid position is conserved. In addition, this alteration is predicted to be tolerated by in silico analysis. Based on the available evidence, the clinical significance of this variant remains unclear.